The following is an entry in ClinVar:

NM_000228.3(LAMB3):c.2270dup (p.Gly758fs)

Gene: LAMB3 (laminin subunit beta 3; minus strand). Cytogenetic location: 1q32.2.
Variant type: Duplication.
Coding change: c.2270dup on transcript NM_000228.3 (MANE Select); coding-DNA position 2270, one base duplicated (G; older notation c.2270dupG).
Protein change: p.Gly758fs; shifts the reading frame from glycine 758.
Molecular consequence: frameshift variant.
Genome position (GRCh38, 1-based): chr1:209,623,593, C duplicated on the plus strand (G on the coding strand, the reverse complement: LAMB3 is on the minus strand); the first of 3 consecutive C bases (chr1:209,623,593-209,623,595); duplicating any one gives the same sequence. VCF-style (leftmost placement, unchanged base first): chr1-209623592-T-TC. GRCh37 (hg19) VCF-style: chr1-209796937-T-TC.
Other names: c.2270dup, p.Gly758fs (NM_001017402.2, NM_001127641.1); short protein forms G758fs.
Identifiers: ClinVar variation 5012272 (VCV005012272.1).

ClinVar aggregate classification (germline): Pathogenic (1 of 4 stars; one submission).

Conditions:
Junctional epidermolysis bullosa. Identifiers: Orphanet 305, MedGen C0079301, MONDO:0017612.

Submission:

Myriad Genetics, Inc.
Classification: Pathogenic for Junctional epidermolysis bullosa. Last evaluated: 2023-09-27. Review status: criteria provided, single submitter. Criteria: Myriad Autosomal Dominant, Autosomal Recessive and X-Linked Classification Criteria (2023). Collection method: clinical testing. Allele origin: unknown.
Comment: NM_000228.2(LAMB3):c.2270dupG(G758Rfs*22) is expected to be pathogenic in the context of junctional epidermolysis bullosa, LAMB3-related. This variant is predicted to lead to an abnormal or absent protein product due to the creation of a premature termination codon in LAMB3, a gene where loss-of-function variants are known to be pathogenic. Please note: this variant was assessed in the context of healthy population screening.